The following is an entry in ClinVar:

ClinVar aggregate classification (germline): Likely benign (1 of 4 stars; one submission).

Submission:

GeneDx
Classification: Likely benign. Last evaluated: 2018-01-29. Review status: criteria provided, single submitter. Criteria: GeneDx Variant Classification (06012015). Collection method: clinical testing. Allele origin: germline. Affected: yes.
Comment: This variant is considered likely benign or benign based on one or more of the following criteria: it is a conservative change, it occurs at a poorly conserved position in the protein, it is predicted to be benign by multiple in silico algorithms, and/or has population frequency not consistent with disease.

NM_024740.2(ALG9):c.1203C>T (p.Tyr401=)

Gene: ALG9 (ALG9 alpha-1,2-mannosyltransferase; minus strand). Cytogenetic location: 11q23.1.
Variant type: single nucleotide variant.
Coding change: c.1203C>T on transcript NM_024740.2 (MANE Select); coding-DNA position 1203, C replaced by T.
Protein change: p.Tyr401=; no amino-acid change (tyrosine 401 retained).
Molecular consequence: synonymous variant. On other transcripts: non-coding transcript variant (1).
Genome position (GRCh38, 1-based): chr11:111,838,370, G>A on the plus strand (C>T on the coding strand, the complement: ALG9 is on the minus strand). VCF-style: chr11-111838370-G-A. GRCh37 (hg19) VCF-style: chr11-111709093-G-A.
Other names: c.1182C>T, p.Tyr394= (NM_001077690.1, NM_001352417.1); c.690C>T, p.Tyr230= (NM_001077691.2, NM_001352413.1, NM_001352414.2 and 1 more transcripts); c.669C>T, p.Tyr223= (NM_001077692.2, NM_001352409.1, NM_001352410.1 and 6 more transcripts); c.1059C>T, p.Tyr353= (NM_001352418.1); c.594C>T, p.Tyr198= (NM_001352422.2); c.546C>T, p.Tyr182= (NM_001352423.2).
Identifiers: ClinVar variation 514612 (VCV000514612.1), dbSNP rs1555119896, ClinGen allele CA476780708.
Genomic context (GRCh38, chr11:111,838,370, plus strand): 5'-TGCCAGCCAATTCGATGTCACAGTATAGTGCTCCAGGCGATATCGTTGAAACACAAAGTG[G>A]TAACATTTCTGGAAGTACAGAAAACTGTGCTGATAAAAGAAAATATAATTTGTAGAATAT-3'
Protein context (NP_079016.2, residues 391-411): QHSFLYFQKC[Tyr401=]HFVFQRYRLE